The following is an entry in ClinVar:

NM_000981.4(RPL19):c.512A>G (p.Lys171Arg)

Gene: RPL19 (ribosomal protein L19; plus strand). Cytogenetic location: 17q12.
Variant type: single nucleotide variant.
Coding change: c.512A>G on transcript NM_000981.4 (MANE Select); coding-DNA position 512, A replaced by G.
Protein change: p.Lys171Arg; replaces lysine 171 with arginine.
Molecular consequence: missense variant.
Genome position (GRCh38, 1-based): chr17:39,204,569, A>G. VCF-style: chr17-39204569-A-G. GRCh37 (hg19) VCF-style: chr17-37360822-A-G.
Other names: c.506A>G, p.Lys169Arg (NM_001330200.1); short protein forms K169R, K171R.
Identifiers: ClinVar variation 3624591 (VCV003624591.2).

ClinVar aggregate classification (germline): Uncertain significance (1 of 4 stars; one submission).

gnomAD v4.1: 6 of 1,614,214 alleles (0.00037%); highest among the groups gnomAD compares: South Asian, 0.0022%; no homozygotes.

Submission:

Labcorp Genetics (formerly Invitae), Labcorp
Classification: Uncertain significance. Last evaluated: 2024-11-27. Review status: criteria provided, single submitter. Criteria: Invitae Variant Classification Sherloc (09022015). Collection method: clinical testing. Allele origin: germline.
Comment: This sequence change replaces lysine, which is basic and polar, with arginine, which is basic and polar, at codon 171 of the RPL19 protein (p.Lys171Arg). This variant is not present in population databases (gnomAD no frequency). This variant has not been reported in the literature in individuals affected with RPL19-related conditions. An algorithm developed to predict the effect of missense changes on protein structure and function (PolyPhen-2) suggests that this variant is likely to be tolerated. In summary, the available evidence is currently insufficient to determine the role of this variant in disease. Therefore, it has been classified as a Variant of Uncertain Significance.